The following is an entry in ClinVar:

NM_005228.5(EGFR):c.3458G>A (p.Ser1153Asn)

Gene: EGFR (epidermal growth factor receptor; plus strand). Cytogenetic location: 7p11.2.
Variant type: single nucleotide variant.
Coding change: c.3458G>A on transcript NM_005228.5 (MANE Select); coding-DNA position 3458, G replaced by A.
Protein change: p.Ser1153Asn; replaces serine 1153 with asparagine.
Molecular consequence: missense variant.
Genome position (GRCh38, 1-based): chr7:55,205,442, G>A. VCF-style: chr7-55205442-G-A. GRCh37 (hg19) VCF-style: chr7-55273135-G-A.
Other names: c.3323G>A, p.Ser1108Asn (NM_001346899.2); c.3299G>A, p.Ser1100Asn (NM_001346900.2); c.2657G>A, p.Ser886Asn (NM_001346941.2); short protein forms S1100N, S1108N, S886N, S1153N.
Identifiers: ClinVar variation 2823742 (VCV002823742.4), dbSNP rs2128975406, ClinGen allele CA367584663.

ClinVar aggregate classification (germline): Uncertain significance. Review status: criteria provided, multiple submitters, no conflicts (2 of 4 stars). 2 submissions from 2 submitters: Uncertain significance (2). Last evaluated 2026-07-07.

Conditions:
EGFR-related lung cancer (EGFR). Identifiers: MedGen CN130014.
Hereditary cancer-predisposing syndrome. Also called: Hereditary Cancer Syndrome; Hereditary neoplastic syndrome; Neoplastic Syndromes, Hereditary; Tumor predisposition. Identifiers: Orphanet 140162, MedGen C0027672, MeSH D009386, MONDO:0015356.

Submissions (2):

Ambry Genetics
Classification: Uncertain significance for Hereditary cancer-predisposing syndrome. Last evaluated: 2026-07-07. Review status: criteria provided, single submitter. Criteria: Ambry Variant Classification Scheme 2023. Collection method: clinical testing. Allele origin: germline.
Comment: The p.S1153N variant (also known as c.3458G>A), located in coding exon 28 of the EGFR gene, results from a G to A substitution at nucleotide position 3458. The serine at codon 1153 is replaced by asparagine, an amino acid with highly similar properties. This amino acid position is conserved. In addition, this alteration is predicted to be tolerated by in silico analysis. Based on the available evidence, the clinical significance of this variant remains unclear.

Labcorp Genetics (formerly Invitae), Labcorp
Classification: Uncertain significance for EGFR-related lung cancer. Last evaluated: 2022-12-24. Review status: criteria provided, single submitter. Criteria: Invitae Variant Classification Sherloc (09022015). Collection method: clinical testing. Allele origin: germline.
Comment: This sequence change replaces serine, which is neutral and polar, with asparagine, which is neutral and polar, at codon 1153 of the EGFR protein (p.Ser1153Asn). This variant is not present in population databases (gnomAD no frequency). This variant has not been reported in the literature in individuals affected with EGFR-related conditions. Algorithms developed to predict the effect of missense changes on protein structure and function (SIFT, PolyPhen-2, Align-GVGD) all suggest that this variant is likely to be tolerated. In summary, the available evidence is currently insufficient to determine the role of this variant in disease. Therefore, it has been classified as a Variant of Uncertain Significance.